The following is an entry in ClinVar:

ClinVar aggregate classification (germline): Pathogenic/Likely pathogenic. Review status: criteria provided, multiple submitters, no conflicts (2 of 4 stars). 2 submissions from 2 submitters: Pathogenic (1); Likely pathogenic (1). Last evaluated 2025-11-21.

Conditions:
Bethlem myopathy 1A. Also called: Bethlem Muscular Dystrophy; Bethlem myopathy 1; MYOPATHY, BENIGN CONGENITAL, WITH CONTRACTURES. Identifiers: Orphanet 610, MedGen CN029274, MONDO:0024530, OMIM 158810.

Submissions (2):

Labcorp Genetics (formerly Invitae), Labcorp
Classification: Pathogenic for Bethlem myopathy 1A. Last evaluated: 2025-11-21. Review status: criteria provided, single submitter. Criteria: Invitae Variant Classification Sherloc (09022015). Collection method: clinical testing. Allele origin: germline.
Comment: This variant results in the deletion of part of exon 33 (c.2431_2434+36del) of the COL6A1 gene. It is expected to disrupt RNA splicing. Variants that disrupt the donor or acceptor splice site typically lead to a loss of protein function (PMID: 16199547), and loss-of-function variants in COL6A1 are known to be pathogenic (PMID: 19884007, 20976770). This variant is present in population databases (rs759918870, gnomAD 0.006%). This variant has not been reported in the literature in individuals affected with COL6A1-related conditions. ClinVar contains an entry for this variant (Variation ID: 542987). For these reasons, this variant has been classified as Pathogenic.

Kariminejad - Najmabadi Pathology & Genetics Center
Classification: Likely pathogenic for Bethlem myopathy 1A. Review status: criteria provided, single submitter. Criteria: ACMG Guidelines, 2015. Collection method: clinical testing. Allele origin: germline. Affected: no.

Literature cited by the submitters: PubMed 16199547 (cited by Labcorp Genetics (formerly Invitae), Labcorp); PubMed 19884007 (cited by Labcorp Genetics (formerly Invitae), Labcorp); PubMed 20976770 (cited by Labcorp Genetics (formerly Invitae), Labcorp).

NM_001848.3(COL6A1):c.2431_2434+36del

Gene: COL6A1 (collagen type VI alpha 1 chain; plus strand). Cytogenetic location: 21q22.3.
Variant type: Deletion.
Coding change: c.2431_2434+36del on transcript NM_001848.3 (MANE Select); coding-DNA position 2431 through 36 bases into the intron after coding-DNA position 2434, 40 bases deleted.
Molecular consequence: splice donor variant.
Genome position (GRCh38, 1-based): chr21:46,002,707-46,002,746, 40 bases deleted; deleting any 40 consecutive bases within chr21:46,002,696-46,002,746 gives the same sequence; the c. name uses the placement nearest the transcript's 3' end. GRCh37 (hg19): chr21:47,422,621-47,422,660.
Identifiers: ClinVar variation 542987 (VCV000542987.10), dbSNP rs759918870, ClinGen allele CA10070858.
Genomic context (GRCh38, chr21:46,002,695, plus strand): 5'-TCGCTGGTCAAGGAGAACTATGCAGAGCTGCTGGAGGATGCCTTCCTGAAGAATGTCACC[GCCCAGATCTGCATAGGTGCGCATGGGGCCACCCGGGCAGT>G]CCCAGATCTGCGTAGGTGCGCGCGGGGCCGCCCGGGCAGTCCCAGATCTGCGTAGGTGCA-3'